The following is an entry in ClinVar:

ClinVar aggregate classification (germline): Pathogenic (1 of 4 stars; one submission).

Conditions:
Mosaic variegated aneuploidy syndrome 1 (MVA1). Also called: Warburton-Anyane-Yeboa syndrome. Identifiers: Orphanet 1052, MedGen C1850343, MONDO:0009759, OMIM 257300.

Allele frequency attached by ClinVar (database versions not stated): gnomAD exomes below 0.00001.

Submission:

Labcorp Genetics (formerly Invitae), Labcorp
Classification: Pathogenic for Mosaic variegated aneuploidy syndrome 1. Last evaluated: 2024-08-05. Review status: criteria provided, single submitter. Criteria: Invitae Variant Classification Sherloc (09022015). Collection method: clinical testing. Allele origin: germline.
Comment: This sequence change creates a premature translational stop signal (p.His193Profs*35) in the BUB1B gene. It is expected to result in an absent or disrupted protein product. Loss-of-function variants in BUB1B are known to be pathogenic (PMID: 15475955, 21190457). This variant is present in population databases (no rsID available, gnomAD no frequency). This variant has not been reported in the literature in individuals affected with BUB1B-related conditions. ClinVar contains an entry for this variant (Variation ID: 947291). For these reasons, this variant has been classified as Pathogenic.

Literature cited by the submitters: PubMed 15475955; PubMed 21190457.

NM_001211.6(BUB1B):c.578del (p.His193fs)

Gene: BUB1B (BUB1 mitotic checkpoint serine/threonine kinase B; plus strand). Cytogenetic location: 15q15.1.
Variant type: Deletion.
Coding change: c.578del on transcript NM_001211.6 (MANE Select); coding-DNA position 578, one base deleted (A; older notation c.578delA).
Protein change: p.His193fs; shifts the reading frame from histidine 193.
Molecular consequence: frameshift variant.
Genome position (GRCh38, 1-based): chr15:40,176,670, A deleted. VCF-style (leftmost placement, unchanged base first): chr15-40176669-CA-C. GRCh37 (hg19) VCF-style: chr15-40468870-CA-C.
Other names: short protein forms H193fs.
Identifiers: ClinVar variation 947291 (VCV000947291.7), dbSNP rs1179465577, ClinGen allele CA617556358.
Genomic context (GRCh38, chr15:40,176,669, plus strand): 5'-GCGATATTTCAGGAAGGGATTCAACAGAAGGCTGAACCACTAGAAAGACTACAGTCCCAG[CA>C]CCGGTAAACTTTCTTTGGAGCTTGTCTTAACTCTAAAAATAATAGAAATAAATTATCTCT-3'